The following is an entry in ClinVar:

NM_005334.3(HCFC1):c.4334A>G (p.Asp1445Gly)

Gene: HCFC1 (host cell factor C1; minus strand). Cytogenetic location: Xq28.
Variant type: single nucleotide variant.
Coding change: c.4334A>G on transcript NM_005334.3 (MANE Select); coding-DNA position 4334, A replaced by G.
Protein change: p.Asp1445Gly; replaces aspartic acid 1445 with glycine.
Molecular consequence: missense variant.
Genome position (GRCh38, 1-based): chrX:153,953,770, T>C on the plus strand (A>G on the coding strand, the complement: HCFC1 is on the minus strand). VCF-style: chrX-153953770-T-C. GRCh37 (hg19) VCF-style: chrX-153219221-T-C.
Other names: short protein forms D1445G.
Identifiers: ClinVar variation 841564 (VCV000841564.1), dbSNP rs782122807, ClinGen allele CA10557010.

ClinVar aggregate classification (germline): Uncertain significance (1 of 4 stars; one submission).

Conditions:
Methylmalonic acidemia with homocystinuria, type cblX (MAHCX). Also called: INTELLECTUAL DEVELOPMENTAL DISORDER, X-LINKED 3. Identifiers: Orphanet 369962, MedGen C0796208, MONDO:0010657, OMIM 309541.

Allele frequency attached by ClinVar (database versions not stated): gnomAD exomes below 0.00001 and 0.00001; ExAC 0.00002.
gnomAD v4.1: 2 of 1,200,259 alleles (0.00017%); highest among the groups gnomAD compares: Admixed American, 0.0044%; no homozygotes.

Submission:

Labcorp Genetics (formerly Invitae), Labcorp
Classification: Uncertain significance for Mental retardation 3, X-linked. Last evaluated: 2020-01-05. Review status: criteria provided, single submitter. Criteria: Invitae Variant Classification Sherloc (09022015). Collection method: clinical testing. Allele origin: germline.
Comment: This sequence change replaces aspartic acid with glycine at codon 1445 of the HCFC1 protein (p.Asp1445Gly). The aspartic acid residue is highly conserved and there is a moderate physicochemical difference between aspartic acid and glycine. This variant is present in population databases (rs782122807, ExAC 0.02%). This variant has not been reported in the literature in individuals with HCFC1-related conditions. Algorithms developed to predict the effect of missense changes on protein structure and function (SIFT, PolyPhen-2, Align-GVGD) all suggest that this variant is likely to be tolerated, but these predictions have not been confirmed by published functional studies and their clinical significance is uncertain. In summary, the available evidence is currently insufficient to determine the role of this variant in disease. Therefore, it has been classified as a Variant of Uncertain Significance.